The following is an entry in ClinVar:

NM_052947.4(ALPK2):c.5904T>A (p.Asp1968Glu)

Gene: ALPK2 (alpha kinase 2; minus strand). Cytogenetic location: 18q21.31.
Variant type: single nucleotide variant.
Coding change: c.5904T>A on transcript NM_052947.4 (MANE Select); coding-DNA position 5904, T replaced by A.
Protein change: p.Asp1968Glu; replaces aspartic acid 1968 with glutamic acid.
Molecular consequence: missense variant.
Genome position (GRCh38, 1-based): chr18:58,516,944, A>T on the plus strand (T>A on the coding strand, the complement: ALPK2 is on the minus strand). VCF-style: chr18-58516944-A-T. GRCh37 (hg19) VCF-style: chr18-56184176-A-T.
Other names: short protein forms D1968E.
Identifiers: ClinVar variation 1750418 (VCV001750418.3), dbSNP rs1454955998, ClinGen allele CA402547977.

ClinVar aggregate classification (germline): Uncertain significance (1 of 4 stars; one submission).

Allele frequency attached by ClinVar (database versions not stated): gnomAD exomes below 0.00001; TOPMed below 0.00001; gnomAD 0.00001.
gnomAD v4.1: 7 of 1,614,034 alleles (0.00043%); highest among the groups gnomAD compares: African/African-American, 0.0013%; no homozygotes.

Submission:

Ambry Genetics
Classification: Uncertain significance. Last evaluated: 2024-10-14. Review status: criteria provided, single submitter. Criteria: Ambry Variant Classification Scheme 2023. Collection method: clinical testing. Allele origin: germline.
Comment: The p.D1968E variant (also known as c.5904T>A), located in coding exon 8 of the ALPK2 gene, results from a T to A substitution at nucleotide position 5904. The aspartic acid at codon 1968 is replaced by glutamic acid, an amino acid with highly similar properties. This amino acid position is conserved. In addition, this alteration is predicted to be tolerated by in silico analysis. Since supporting evidence is limited at this time, the clinical significance of this alteration remains unclear.